The following is an entry in ClinVar:

ClinVar aggregate classification (germline): Uncertain significance. Review status: criteria provided, multiple submitters, no conflicts (2 of 4 stars). 3 submissions from 3 submitters: Uncertain significance (3). Last evaluated 2023-10-18.

Conditions:
Megalencephalic leukoencephalopathy with subcortical cysts 2B, remitting, with or without impaired intellectual development. Also called: Megalencephalic leukoencephalopathy with subcortical cysts 2B, remitting, with or without intellectual disability. Identifiers: Orphanet 2478, MedGen C3151356, MONDO:0013491, OMIM 613926.

Allele frequency attached by ClinVar (database versions not stated): TOPMed 0.00001.

Submissions (3):

Women's Health and Genetics/Laboratory Corporation of America, LabCorp
Classification: Uncertain significance. Last evaluated: 2023-10-18. Review status: criteria provided, single submitter. Criteria: LabCorp Variant Classification Summary - May 2015. Collection method: clinical testing. Allele origin: germline.
Comment: Variant summary: HEPACAM c.952T>A (p.Ser318Thr) results in a conservative amino acid change in the encoded protein sequence. Five of five in-silico tools predict a benign effect of the variant on protein function. The variant was absent in 18832 control chromosomes (gnomAD). The available data on variant occurrences in the general population are insufficient to allow any conclusion about variant significance. To our knowledge, no occurrence of c.952T>A in individuals affected with Megalencephalic Leukoencephalopathy With Subcortical Cysts 2b, Remitting, With Or Without Mental Retardation and no experimental evidence demonstrating its impact on protein function have been reported. One submitter has cited clinical-significance assessments for this variant to ClinVar after 2014 and has classified the variant as uncertain significance. Based on the evidence outlined above, the variant was classified as uncertain significance.

Labcorp Genetics (formerly Invitae), Labcorp
Classification: Uncertain significance. Last evaluated: 2023-07-20. Review status: criteria provided, single submitter. Criteria: Invitae Variant Classification Sherloc (09022015). Collection method: clinical testing. Allele origin: germline.
Comment: In summary, the available evidence is currently insufficient to determine the role of this variant in disease. Therefore, it has been classified as a Variant of Uncertain Significance. This sequence change replaces serine, which is neutral and polar, with threonine, which is neutral and polar, at codon 318 of the HEPACAM protein (p.Ser318Thr). This variant is not present in population databases (gnomAD no frequency). This variant has not been reported in the literature in individuals affected with HEPACAM-related conditions. ClinVar contains an entry for this variant (Variation ID: 1341787). Advanced modeling of protein sequence and biophysical properties (such as structural, functional, and spatial information, amino acid conservation, physicochemical variation, residue mobility, and thermodynamic stability) performed at Invitae indicates that this missense variant is not expected to disrupt HEPACAM protein function.

New York Genome Center
Classification: Uncertain significance for Megalencephalic leukoencephalopathy with subcortical cysts 2B, remitting, with or without impaired intellectual development. Last evaluated: 2021-01-22. Review status: criteria provided, single submitter. Criteria: NYGC Assertion Criteria 2020. Collection method: clinical testing. Allele origin: germline. Observed: 1 heterozygote. Study: CSER-NYCKidSeq.

NM_152722.5(HEPACAM):c.952T>A (p.Ser318Thr)

Gene: HEPACAM (hepatic and glial cell adhesion molecule; minus strand). Cytogenetic location: 11q24.2.
Variant type: single nucleotide variant.
Coding change: c.952T>A on transcript NM_152722.5 (MANE Select); coding-DNA position 952, T replaced by A.
Protein change: p.Ser318Thr; replaces serine 318 with threonine.
Molecular consequence: missense variant.
Genome position (GRCh38, 1-based): chr11:124,921,437, A>T on the plus strand (T>A on the coding strand, the complement: HEPACAM is on the minus strand). VCF-style: chr11-124921437-A-T. GRCh37 (hg19) VCF-style: chr11-124791333-A-T.
Other names: short protein forms S318T.
Identifiers: ClinVar variation 1341787 (VCV001341787.5), dbSNP rs1947137638, ClinGen allele CA383138122.